The following is an entry in ClinVar:

ClinVar aggregate classification (germline): Conflicting classifications of pathogenicity. Review status: criteria provided, conflicting classifications (1 of 4 stars). 6 submissions from 6 submitters: Uncertain significance (4); Benign (1); Likely benign (1). Last evaluated 2025-08-10.

Conditions:
Hereditary cancer-predisposing syndrome. Also called: Tumor predisposition; Neoplastic Syndromes, Hereditary; Hereditary Cancer Syndrome; Hereditary neoplastic syndrome. Identifiers: Orphanet 140162, MedGen C0027672, MeSH D009386, MONDO:0015356.
Tuberous sclerosis syndrome (TSC). Also called: Tuberous Sclerosis Complex; Tuberous sclerosis. Identifiers: Orphanet 805, MedGen C0041341, MONDO:0001734.
Tuberous sclerosis 2 (TSC2). Identifiers: Orphanet 805, MedGen C1860707, MONDO:0013199, OMIM 613254.

Allele frequency attached by ClinVar (database versions not stated): TOPMed 0.00002.
gnomAD v4.1: 11 of 1,599,040 alleles (0.00069%); highest among the groups gnomAD compares: East Asian, 0.0045%; no homozygotes.

Submissions (6):

Labcorp Genetics (formerly Invitae), Labcorp
Classification: Benign for Tuberous sclerosis 2. Last evaluated: 2025-08-10. Review status: criteria provided, single submitter. Criteria: Invitae Variant Classification Sherloc (09022015). Collection method: clinical testing. Allele origin: germline.

GeneDx
Classification: Uncertain significance. Last evaluated: 2024-03-04. Review status: criteria provided, single submitter. Criteria: GeneDx Variant Classification Process June 2021. Collection method: clinical testing. Allele origin: germline. Affected: yes.
Comment: Not observed at significant frequency in large population cohorts (gnomAD); In silico analysis supports that this missense variant does not alter protein structure/function; Has not been previously published as pathogenic or benign to our knowledge

Ambry Genetics
Classification: Uncertain significance for Hereditary cancer-predisposing syndrome. Last evaluated: 2024-01-11. Review status: criteria provided, single submitter. Criteria: Ambry Variant Classification Scheme 2023. Collection method: clinical testing. Allele origin: germline.
Comment: The p.A1479T variant (also known as c.4435G>A), located in coding exon 33 of the TSC2 gene, results from a G to A substitution at nucleotide position 4435. The alanine at codon 1479 is replaced by threonine, an amino acid with similar properties. This amino acid position is poorly conserved in available vertebrate species. In addition, the in silico prediction for this alteration is inconclusive. Since supporting evidence is limited at this time, the clinical significance of this alteration remains unclear.

All of Us Research Program, National Institutes of Health
Classification: Uncertain significance for Tuberous sclerosis syndrome. Last evaluated: 2023-12-13. Review status: criteria provided, single submitter. Criteria: ACMG Guidelines, 2015. Collection method: clinical testing. Allele origin: germline. Inheritance: Autosomal dominant inheritance. Observed: 3 variant alleles, 3 heterozygotes.
Comment: This missense variant replaces alanine with threonine at codon 1479 of the TSC2 protein. Computational prediction is inconclusive regarding the impact of this variant on protein structure and function (internally defined REVEL score threshold 0.5 < inconclusive < 0.7, PMID: 27666373). To our knowledge, functional studies have not been reported for this variant. This variant has not been reported in individuals affected with tuberous sclerosis complex in the literature. This variant has not been identified in the general population by the Genome Aggregation Database (gnomAD). The available evidence is insufficient to determine the role of this variant in disease conclusively. Therefore, this variant is classified as a Variant of Uncertain Significance.

This study involves interpretation of variants in research participants for the purpose of population health screening. Participant phenotype was not available at the time of variant classification. Additional details can be found in publication PMID: 35346344, PMCID: PMC8962531

Genome-Nilou Lab
Classification: Likely benign for Tuberous sclerosis 2. Last evaluated: 2021-11-07. Review status: criteria provided, single submitter. Criteria: ACMG Guidelines, 2015. Collection method: clinical testing. Allele origin: germline. Affected: no.

Genetic Services Laboratory, University of Chicago
Classification: Uncertain significance. Last evaluated: 2015-08-19. Review status: criteria provided, single submitter. Criteria: ACMG Guidelines, 2015. Collection method: clinical testing. Allele origin: germline. Affected: no.

NM_000548.5(TSC2):c.4435G>A (p.Ala1479Thr)

Gene: TSC2 (TSC complex subunit 2; plus strand). Cytogenetic location: 16p13.3.
Variant type: single nucleotide variant.
Coding change: c.4435G>A on transcript NM_000548.5 (MANE Select); coding-DNA position 4435, G replaced by A.
Protein change: p.Ala1479Thr; replaces alanine 1479 with threonine.
Molecular consequence: missense variant.
Genome position (GRCh38, 1-based): chr16:2,084,657, G>A. VCF-style: chr16-2084657-G-A. GRCh37 (hg19) VCF-style: chr16-2134658-G-A.
Other names: c.4234G>A, p.Ala1412Thr (NM_001077183.3); c.4366G>A, p.Ala1456Thr (NM_001114382.3); c.4126G>A, p.Ala1376Thr (NM_001318827.2); c.4090G>A, p.Ala1364Thr (NM_001318829.2); c.3703G>A, p.Ala1235Thr (NM_001318831.2); c.4267G>A, p.Ala1423Thr (NM_001318832.2); c.4237G>A, p.Ala1413Thr (NM_001363528.2); c.4303G>A, p.Ala1435Thr (NM_001370404.1); and 1 more; short protein forms A1479T, A1235T, A1413T, A1423T, A1456T, A1376T, A1435T, A1364T.
Identifiers: ClinVar variation 405956 (VCV000405956.24), dbSNP rs777529733, ClinGen allele CA16615031.